The following is an entry in ClinVar:

NM_000321.3(RB1):c.102G>C (p.Glu34Asp)

Gene: RB1 (RB transcriptional corepressor 1; plus strand). Cytogenetic location: 13q14.2.
Variant type: single nucleotide variant.
Coding change: c.102G>C on transcript NM_000321.3 (MANE Select); coding-DNA position 102, G replaced by C.
Protein change: p.Glu34Asp; replaces glutamic acid 34 with aspartic acid.
Molecular consequence: missense variant.
Genome position (GRCh38, 1-based): chr13:48,304,014, G>C. VCF-style: chr13-48304014-G-C. GRCh37 (hg19) VCF-style: chr13-48878150-G-C.
Other names: short protein forms E34D.
Identifiers: ClinVar variation 1372641 (VCV001372641.8), dbSNP rs1952054573, ClinGen allele CA388250330.

ClinVar aggregate classification (germline): Uncertain significance (1 of 4 stars; one submission).

Conditions:
Retinoblastoma (RB1). Also called: RETINOBLASTOMA, SOMATIC. Identifiers: Orphanet 790, MedGen C0035335, MeSH D012175, MONDO:0008380, OMIM 180200, HP:0009919. Disease mechanism: loss of function. Inheritance: Both sporadic and heritable forms are tested..

Submission:

Labcorp Genetics (formerly Invitae), Labcorp
Classification: Uncertain significance for Retinoblastoma. Last evaluated: 2023-07-07. Review status: criteria provided, single submitter. Criteria: Invitae Variant Classification Sherloc (09022015). Collection method: clinical testing. Allele origin: germline.
Comment: This variant has not been reported in the literature in individuals affected with RB1-related conditions. ClinVar contains an entry for this variant (Variation ID: 1372641). Advanced modeling of protein sequence and biophysical properties (such as structural, functional, and spatial information, amino acid conservation, physicochemical variation, residue mobility, and thermodynamic stability) has been performed at Invitae for this missense variant, however the output from this modeling did not meet the statistical confidence thresholds required to predict the impact of this variant on RB1 protein function. In summary, the available evidence is currently insufficient to determine the role of this variant in disease. Therefore, it has been classified as a Variant of Uncertain Significance. This sequence change replaces glutamic acid, which is acidic and polar, with aspartic acid, which is acidic and polar, at codon 34 of the RB1 protein (p.Glu34Asp). This variant is not present in population databases (gnomAD no frequency).